The following is an entry in ClinVar:

NM_033380.3(COL4A5):c.874G>A (p.Gly292Arg)

Gene: COL4A5 (collagen type IV alpha 5 chain; plus strand). Cytogenetic location: Xq22.3.
Variant type: single nucleotide variant.
Coding change: c.874G>A on transcript NM_033380.3 (MANE Select); coding-DNA position 874, G replaced by A.
Protein change: p.Gly292Arg; replaces glycine 292 with arginine.
Molecular consequence: missense variant.
Genome position (GRCh38, 1-based): chrX:108,580,721, G>A. VCF-style: chrX-108580721-G-A. GRCh37 (hg19) VCF-style: chrX-107823951-G-A.
Other names: p.Gly292Arg; c.874G>A, p.Gly292Arg (NM_000495.5); short protein forms G292R.
Identifiers: ClinVar variation 1076557 (VCV001076557.13), dbSNP rs104886073, ClinGen allele CA413926389.

ClinVar aggregate classification (germline): Pathogenic. Review status: criteria provided, multiple submitters, no conflicts (2 of 4 stars). 5 submissions from 5 submitters: Pathogenic (5). Last evaluated 2025-07-17.

Conditions:
X-linked Alport syndrome (ATS1). Also called: COL4A5-Related Nephropathy; NEPHROPATHY AND DEAFNESS, X-LINKED. Identifiers: Orphanet 63, Orphanet 88917, MedGen C4746986, MONDO:0010520, OMIM 301050.

Submissions (5):

Mayo Clinic Laboratories, Mayo Clinic
Classification: Pathogenic. Last evaluated: 2025-07-17. Review status: criteria provided, single submitter. Criteria: ACMG Guidelines, 2015. Collection method: clinical testing. Allele origin: germline. Observed: 2 variant alleles.
Comment: PP3_strong, PM1_strong, PM2_supporting, PS4_moderate

Fulgent Genetics
Classification: Pathogenic for X-linked Alport syndrome. Last evaluated: 2024-03-12. Review status: criteria provided, single submitter. Criteria: ACMG Guidelines, 2015. Collection method: clinical testing. Allele origin: germline.

Labcorp Genetics (formerly Invitae), Labcorp
Classification: Pathogenic. Last evaluated: 2023-10-11. Review status: criteria provided, single submitter. Criteria: Invitae Variant Classification Sherloc (09022015). Collection method: clinical testing. Allele origin: germline.
Comment: This sequence change replaces glycine, which is neutral and non-polar, with arginine, which is basic and polar, at codon 292 of the COL4A5 protein (p.Gly292Arg). This variant is not present in population databases (gnomAD no frequency). This missense change has been observed in individuals with X-linked Alport syndrome (PMID: 20378821). ClinVar contains an entry for this variant (Variation ID: 1076557). Advanced modeling of protein sequence and biophysical properties (such as structural, functional, and spatial information, amino acid conservation, physicochemical variation, residue mobility, and thermodynamic stability) performed at Invitae indicates that this missense variant is expected to disrupt COL4A5 protein function. This variant disrupts the triple helix domain of COL4A5. Glycine residues within the Gly-Xaa-Yaa repeats of the triple helix domain are required for the structure and stability of fibrillar collagens (PMID: 7695699, 8218237, 19344236). In COL4A5, missense variants at these glycine residues are significantly enriched in individuals with disease (PMID: 23720012, 27627812) compared to the general population (ExAC). For these reasons, this variant has been classified as Pathogenic.

GeneDx
Classification: Pathogenic. Last evaluated: 2022-12-27. Review status: criteria provided, single submitter. Criteria: GeneDx Variant Classification Process June 2021. Collection method: clinical testing. Allele origin: germline. Affected: yes.
Comment: Reported in a family with Alport syndrome in published literature (Bekheirnia et al., 2010); Affects a glycine residue in a Gly-X-Y motif in the triple helical region of the COL4A5 gene, where the majority of pathogenic missense variants occur, and is predicted to disrupt normal protein folding and function (HGMD; Jais et al., 2000); Not observed at significant frequency in large population cohorts (gnomAD); In silico analysis supports that this missense variant has a deleterious effect on protein structure/function; This variant is associated with the following publications: (PMID: 20378821, 10752524)

Athena Diagnostics
Classification: Pathogenic. Last evaluated: 2021-06-14. Review status: criteria provided, single submitter. Criteria: Athena Diagnostics Criteria. Collection method: clinical testing. Allele origin: unknown.
Comment: This variant has not been reported in large, multi-ethnic general populations. This variant has been identified in at least one individual with clinical features associated with this gene. At least one other missense variant at this codon is considered to be pathogenic or likely pathogenic, suggesting this variant may also cause disease. This variant alters a critical location within the protein, and is expected to severely affect function and cause disease.

Literature cited by the submitters: PubMed 11223851 (cited by Mayo Clinic Laboratories, Mayo Clinic); PubMed 20378821 (cited by Labcorp Genetics (formerly Invitae), Labcorp); PubMed 7695699 (cited by Labcorp Genetics (formerly Invitae), Labcorp); PubMed 8218237 (cited by Labcorp Genetics (formerly Invitae), Labcorp); PubMed 19344236 (cited by Labcorp Genetics (formerly Invitae), Labcorp); PubMed 23720012 (cited by Labcorp Genetics (formerly Invitae), Labcorp); PubMed 27627812 (cited by Labcorp Genetics (formerly Invitae), Labcorp).